The following is an entry in ClinVar:

ClinVar aggregate classification (germline): Pathogenic (1 of 4 stars; one submission).

Conditions:
Hypophosphatasia. Also called: Phosphoethanol-aminuria. Identifiers: Orphanet 436, MedGen C0020630, MeSH D007014, MONDO:0018570.

Submission:

Myriad Genetics, Inc.
Classification: Pathogenic for Hypophosphatasia. Last evaluated: 2026-01-19. Review status: criteria provided, single submitter. Criteria: Myriad Autosomal Dominant, Autosomal Recessive and X-Linked Classification Criteria (2023). Collection method: clinical testing. Allele origin: unknown.
Comment: NM_000478.4(ALPL):c.428delA(Q143Rfs*22) is expected to be pathogenic in the context of hypophosphatasia. This variant is predicted to lead to an abnormal or absent protein product due to the creation of a premature termination codon in ALPL, a gene where loss-of-function variants are known to be pathogenic. Please note: this variant was assessed in the context of healthy population screening.

NM_000478.6(ALPL):c.428del (p.Gln143fs)

Gene: ALPL (alkaline phosphatase, biomineralization associated; plus strand). Cytogenetic location: 1p36.12.
Variant type: Deletion.
Coding change: c.428del on transcript NM_000478.6 (MANE Select); coding-DNA position 428, one base deleted (A; older notation c.428delA).
Protein change: p.Gln143fs; shifts the reading frame from glutamine 143.
Molecular consequence: frameshift variant.
Genome position (GRCh38, 1-based): chr1:21,563,240, A deleted. VCF-style (leftmost placement, unchanged base first): chr1-21563239-CA-C. GRCh37 (hg19) VCF-style: chr1-21889732-CA-C.
Other names: c.263del, p.Gln88fs (NM_001127501.4); c.197del, p.Gln66fs (NM_001177520.3); c.428del, p.Gln143fs (NM_001369803.2, NM_001369804.2, NM_001369805.2); short protein forms Q143fs, Q66fs, Q88fs.
Identifiers: ClinVar variation 5015441 (VCV005015441.1).